The following is an entry in ClinVar:

ClinVar aggregate classification (germline): Uncertain significance (1 of 4 stars; one submission).

Conditions:
Inborn genetic diseases. Identifiers: MedGen C0950123, MeSH D030342.

Submission:

Ambry Genetics
Classification: Uncertain significance for Inborn genetic diseases. Last evaluated: 2023-08-06. Review status: criteria provided, single submitter. Criteria: Ambry Variant Classification Scheme 2023. Collection method: clinical testing. Allele origin: germline.
Comment: The p.I595T variant (also known as c.1784T>C), located in coding exon 19 of the ERCC2 gene, results from a T to C substitution at nucleotide position 1784. The isoleucine at codon 595 is replaced by threonine, an amino acid with similar properties. This amino acid position is conserved. In addition, this alteration is predicted to be deleterious by in silico analysis. Since supporting evidence is limited at this time, the clinical significance of this alteration remains unclear.

NM_000400.4(ERCC2):c.1784T>C (p.Ile595Thr)

Gene: ERCC2 (ERCC excision repair 2, TFIIH core complex helicase subunit; minus strand). Cytogenetic location: 19q13.32.
Variant type: single nucleotide variant.
Coding change: c.1784T>C on transcript NM_000400.4 (MANE Select); coding-DNA position 1784, T replaced by C.
Protein change: p.Ile595Thr; replaces isoleucine 595 with threonine.
Molecular consequence: missense variant.
Genome position (GRCh38, 1-based): chr19:45,353,130, A>G on the plus strand (T>C on the coding strand, the complement: ERCC2 is on the minus strand). VCF-style: chr19-45353130-A-G. GRCh37 (hg19) VCF-style: chr19-45856388-A-G.
Other names: short protein forms I595T.
Identifiers: ClinVar variation 2586790 (VCV002586790.2), dbSNP rs2514002071, ClinGen allele CA406364196.